The following is an entry in ClinVar:

ClinVar aggregate classification (germline): Uncertain significance. Review status: criteria provided, multiple submitters, no conflicts (2 of 4 stars). 2 submissions from 2 submitters: Uncertain significance (2). Last evaluated 2026-05-16.

Conditions:
BDP1-related disorder. Also called: BDP1-related condition.

Allele frequency attached by ClinVar (database versions not stated): gnomAD exomes 0.00002; ExAC 0.00004; TOPMed 0.00015; gnomAD 0.00017; 1000 Genomes Project 30x 0.00031; 1000 Genomes Project 0.00040.
gnomAD v4.1: 54 of 1,613,898 alleles (0.0033%); highest among the groups gnomAD compares: African/African-American, 0.061%; no homozygotes.

Submissions (2):

PreventionGenetics, part of Exact Sciences
Classification: Uncertain significance for BDP1-related condition. Last evaluated: 2026-05-16. Review status: criteria provided, single submitter. Criteria: ACMG Guidelines, 2015. Collection method: clinical testing. Allele origin: germline.
Comment: The BDP1 c.3296C>G variant is predicted to result in the amino acid substitution p.Ser1099Cys. To our knowledge, this variant has not been reported in the literature. This variant is reported in 0.066% of alleles in individuals of African descent in gnomAD. Although we suspect that this variant may be benign, at this time, the clinical significance of this variant is uncertain due to the absence of conclusive functional and genetic evidence.

Ambry Genetics
Classification: Uncertain significance. Last evaluated: 2021-08-02. Review status: criteria provided, single submitter. Criteria: Ambry Variant Classification Scheme 2023. Collection method: clinical testing. Allele origin: germline.

NM_018429.3(BDP1):c.3296C>G (p.Ser1099Cys)

Gene: BDP1 (BDP1 general transcription factor IIIB subunit; plus strand). Cytogenetic location: 5q13.2.
Variant type: single nucleotide variant.
Coding change: c.3296C>G on transcript NM_018429.3 (MANE Select); coding-DNA position 3296, C replaced by G.
Protein change: p.Ser1099Cys; replaces serine 1099 with cysteine.
Molecular consequence: missense variant.
Genome position (GRCh38, 1-based): chr5:71,510,388, C>G. VCF-style: chr5-71510388-C-G. GRCh37 (hg19) VCF-style: chr5-70806215-C-G.
Other names: short protein forms S1099C.
Identifiers: ClinVar variation 2408412 (VCV002408412.3), dbSNP rs146962646, ClinGen allele CA3296444.